The following is an entry in ClinVar:

ClinVar aggregate classification (germline): Likely pathogenic (1 of 4 stars; one submission).

Conditions:
Severe myoclonic epilepsy in infancy (DRVT). Also called: Epileptic encephalopathy, early infantile, 6 (Dravet syndrome); SEVERE MYOCLONIC EPILEPSY OF INFANCY; DEVELOPMENTAL AND EPILEPTIC ENCEPHALOPATHY 6A; Severe Myoclonic Epilepsy in Infancy (SMEI); Dravet syndrome. Identifiers: Orphanet 33069, MedGen C0751122, MONDO:0100135, OMIM 607208.

Submission:

Unidad de Genómica Garrahan, Hospital de Pediatría Garrahan
Classification: Likely pathogenic for Severe myoclonic epilepsy in infancy. Last evaluated: 2025-07-01. Review status: criteria provided, single submitter. Criteria: ACMG Guidelines, 2015. Collection method: clinical testing. Allele origin: unknown. Inheritance: Sporadic. Affected: yes. Observed: 1 heterozygote.
Comment: The variant NM_001165963.4:c.807dup involves the duplication of nucleotide 807 in the SCN1A gene, resulting in a frameshift and a predicted premature stop codon at position 277. This is expected to lead to an absent or disrupted protein product (PVS1_Very_Strong). This variant is not present in gnomAD (PM2_Moderate;, version 4.1.0). In summary, this variant meets criteria to be classified as Likely Pathogenic based on the ACMG/AMP guidelines as specified by ClinGen.

NM_001165963.4(SCN1A):c.807dup (p.Met270fs)

Gene: SCN1A (sodium voltage-gated channel alpha subunit 1; minus strand). Cytogenetic location: 2q24.3.
Variant type: Duplication.
Coding change: c.807dup on transcript NM_001165963.4 (MANE Select); coding-DNA position 807, one base duplicated (C; older notation c.807dupC).
Protein change: p.Met270fs; shifts the reading frame from methionine 270.
Molecular consequence: frameshift variant. On other transcripts: 5 prime UTR variant (1), non-coding transcript variant (1).
Genome position (GRCh38, 1-based): chr2:166,051,876, G duplicated on the plus strand (C on the coding strand, the reverse complement: SCN1A is on the minus strand). VCF-style (leftmost placement, unchanged base first): chr2-166051875-T-TG. GRCh37 (hg19) VCF-style: chr2-166908385-T-TG.
Other names: c.807dup, p.Met270fs (NM_001165964.3, NM_001202435.3, NM_001353948.2 and 10 more transcripts); c.-1619dup (NM_001353961.2); short protein forms M270fs.
Identifiers: ClinVar variation 3912072 (VCV003912072.1).